The following is an entry in ClinVar:

NM_177973.2(SULT2B1):c.98G>A (p.Arg33Gln)

Gene: SULT2B1 (sulfotransferase family 2B member 1; plus strand). Cytogenetic location: 19q13.33.
Variant type: single nucleotide variant.
Coding change: c.98G>A on transcript NM_177973.2 (MANE Select); coding-DNA position 98, G replaced by A.
Protein change: p.Arg33Gln; replaces arginine 33 with glutamine.
Molecular consequence: missense variant.
Genome position (GRCh38, 1-based): chr19:48,575,967, G>A. VCF-style: chr19-48575967-G-A. GRCh37 (hg19) VCF-style: chr19-49079224-G-A.
Other names: c.53G>A, p.Arg18Gln (NM_004605.2); short protein forms R33Q, R18Q.
Identifiers: ClinVar variation 790920 (VCV000790920.12), dbSNP rs117476816, ClinGen allele CA9552975.

ClinVar aggregate classification (germline): Benign. Review status: criteria provided, single submitter (1 of 4 stars). 2 submissions from 2 submitters: Benign (1). 1 of the submissions does not count toward it. Last evaluated 2025-12-21.

Conditions:
SULT2B1-related disorder. Also called: SULT2B1-related condition.

Allele frequency attached by ClinVar (database versions not stated): ESP Exome Variant Server 0.00108; gnomAD 0.00335 and 0.00424; gnomAD exomes 0.00344 and 0.00761; TOPMed 0.00434; ExAC 0.00750; 1000 Genomes Project 30x 0.01624; 1000 Genomes Project 0.01777.
gnomAD v4.1: 5,862 of 1,613,454 alleles (0.36%); highest among the groups gnomAD compares: East Asian, 5.9%; 113 homozygotes.

Submissions (2):

Labcorp Genetics (formerly Invitae), Labcorp
Classification: Benign. Last evaluated: 2025-12-21. Review status: criteria provided, single submitter. Criteria: Invitae Variant Classification Sherloc (09022015). Collection method: clinical testing. Allele origin: germline.

PreventionGenetics, part of Exact Sciences
Classification: Benign for SULT2B1-related condition. Last evaluated: 2019-08-22. Review status: no assertion criteria provided. Collection method: clinical testing. Allele origin: germline. Not counted in ClinVar's aggregate classification.
Comment: This variant is classified as benign based on ACMG/AMP sequence variant interpretation guidelines (Richards et al. 2015 PMID: 25741868, with internal and published modifications).